The following is an entry in ClinVar:

NM_001007553.3(CSDE1):c.247A>G (p.Ile83Val)

Gene: CSDE1 (cold shock domain containing E1; minus strand). Cytogenetic location: 1p13.2.
Variant type: single nucleotide variant.
Coding change: c.247A>G on transcript NM_001007553.3 (MANE Select); coding-DNA position 247, A replaced by G.
Protein change: p.Ile83Val; replaces isoleucine 83 with valine.
Molecular consequence: missense variant.
Genome position (GRCh38, 1-based): chr1:114,738,025, T>C on the plus strand (A>G on the coding strand, the complement: CSDE1 is on the minus strand). VCF-style: chr1-114738025-T-C. GRCh37 (hg19) VCF-style: chr1-115280646-T-C.
Other names: c.385A>G, p.Ile129Val (NM_001130523.3, NM_001242891.2); c.247A>G, p.Ile83Val (NM_001242892.2, NM_001242893.2, NM_007158.6); short protein forms I129V, I83V.
Identifiers: ClinVar variation 1331564 (VCV001331564.4), dbSNP rs1660500947, ClinGen allele CA341759803.

ClinVar aggregate classification (germline): Uncertain significance (1 of 4 stars; one submission).

Allele frequency attached by ClinVar (database versions not stated): gnomAD exomes below 0.00001.
gnomAD v4.1: 2 of 1,614,106 alleles (0.00012%); highest among the groups gnomAD compares: African/African-American, 0.0013%; no homozygotes.

Submission:

Greenwood Genetic Center Diagnostic Laboratories, Greenwood Genetic Center
Classification: Uncertain significance. Last evaluated: 2020-12-30. Review status: criteria provided, single submitter. Criteria: ACMG Guidelines, 2015. Collection method: clinical testing. Allele origin: germline. Affected: yes.
Comment: BP4, PP2, PM2